The following is an entry in ClinVar:

NM_000530.8(MPZ):c.385G>T (p.Val129Phe)

Gene: MPZ (myelin protein zero; minus strand). Cytogenetic location: 1q23.3.
Variant type: single nucleotide variant.
Coding change: c.385G>T on transcript NM_000530.8 (MANE Select); coding-DNA position 385, G replaced by T.
Protein change: p.Val129Phe; replaces valine 129 with phenylalanine.
Molecular consequence: missense variant.
Genome position (GRCh38, 1-based): chr1:161,306,771, C>A on the plus strand (G>T on the coding strand, the complement: MPZ is on the minus strand). VCF-style: chr1-161306771-C-A. GRCh37 (hg19) VCF-style: chr1-161276561-C-A.
Other names: c.385G>T, p.Val129Phe (NM_001315491.2); short protein forms V129F.
Identifiers: ClinVar variation 2135745 (VCV002135745.5), dbSNP rs201156403, ClinGen allele CA343348829.
Genomic context (GRCh38, chr1:161,306,771, plus strand): 5'-TTTCAAAGACATACAGCGTGACCTGAGAGGTCTTGCCCACTATGTCTGGAGGGTTTTTGA[C>A]GTCACAAGTGAACGTGCCATTGTCACTGTAGTCTAGGTTGTGTATGACAATGGAGCCATC-3'
Protein context (NP_000521.2, residues 119-139): YSDNGTFTCD[Val129Phe]KNPPDIVGKT

ClinVar aggregate classification (germline): Uncertain significance. Review status: criteria provided, multiple submitters, no conflicts (2 of 4 stars). 2 submissions from 2 submitters: Uncertain significance (2). Last evaluated 2026-07-01.

Conditions:
Charcot-Marie-Tooth disease, type I (CMT1). Also called: Charcot-Marie-Tooth, Type 1; Charcot-Marie-Tooth disease type 1. Identifiers: Orphanet 65753, MedGen C0751036, MONDO:0019011.

Submissions (2):

CeGaT Center for Human Genetics Tuebingen
Classification: Uncertain significance. Last evaluated: 2026-07-01. Review status: criteria provided, single submitter. Criteria: CeGaT Center For Human Genetics Tuebingen Variant Classification Criteria Version 2. Collection method: clinical testing. Allele origin: germline. Affected: yes. Observed: 1 variant allele.
Comment: MPZ: PM2, PM1:Supporting, PP2

Labcorp Genetics (formerly Invitae), Labcorp
Classification: Uncertain significance for Charcot-Marie-Tooth disease, type I. Last evaluated: 2024-10-24. Review status: criteria provided, single submitter. Criteria: Invitae Variant Classification Sherloc (09022015). Collection method: clinical testing. Allele origin: germline.
Comment: This sequence change replaces valine, which is neutral and non-polar, with phenylalanine, which is neutral and non-polar, at codon 129 of the MPZ protein (p.Val129Phe). This variant is not present in population databases (gnomAD no frequency). This variant has not been reported in the literature in individuals affected with MPZ-related conditions. ClinVar contains an entry for this variant (Variation ID: 2135745). Invitae Evidence Modeling of protein sequence and biophysical properties (such as structural, functional, and spatial information, amino acid conservation, physicochemical variation, residue mobility, and thermodynamic stability) indicates that this missense variant is not expected to disrupt MPZ protein function with a negative predictive value of 80%. In summary, the available evidence is currently insufficient to determine the role of this variant in disease. Therefore, it has been classified as a Variant of Uncertain Significance.